The following is an entry in ClinVar:

NM_001271696.3(ABCB7):c.1739C>T (p.Ala580Val)

Gene: ABCB7 (ATP binding cassette subfamily B member 7; minus strand). Cytogenetic location: Xq13.3.
Variant type: single nucleotide variant.
Coding change: c.1739C>T on transcript NM_001271696.3 (MANE Select); coding-DNA position 1739, C replaced by T.
Protein change: p.Ala580Val; replaces alanine 580 with valine.
Molecular consequence: missense variant.
Genome position (GRCh38, 1-based): chrX:75,065,162, G>A on the plus strand (C>T on the coding strand, the complement: ABCB7 is on the minus strand). VCF-style: chrX-75065162-G-A. GRCh37 (hg19) VCF-style: chrX-74284997-G-A.
Other names: p.A581V:GCA>GTA; p.Ala581Val; c.1619C>T, p.Ala540Val (NM_001271697.3); c.1661C>T, p.Ala554Val (NM_001271698.3); c.1622C>T, p.Ala541Val (NM_001271699.3); c.1742C>T, p.Ala581Val (NM_004299.6); short protein forms A581V, A580V, A554V, A540V, A541V.
Identifiers: ClinVar variation 136245 (VCV000136245.17), dbSNP rs1340989, ClinGen allele CA289226.

ClinVar aggregate classification (germline): Benign/Likely benign. Review status: criteria provided, multiple submitters, no conflicts (2 of 4 stars). 5 submissions from 5 submitters: Benign (4); Likely benign (1). Last evaluated 2024-11-27.

Conditions:
X-linked sideroblastic anemia with ataxia (SCAX6). Also called: SPINOCEREBELLAR ATAXIA, X-LINKED 6, WITH OR WITHOUT SIDEROBLASTIC ANEMIA. Identifiers: Orphanet 2802, MedGen C1845028, MONDO:0010524, OMIM 301310.

Allele frequency attached by ClinVar (database versions not stated): 1000 Genomes Project 0.08371; 1000 Genomes Project 30x 0.08720; gnomAD 0.08733 and 0.08141; TOPMed 0.09443; ESP Exome Variant Server 0.10291; gnomAD exomes 0.00830 and 0.02361; ExAC 0.03043.
gnomAD v4.1: 18,602 of 1,207,121 alleles (1.5%); highest among the groups gnomAD compares: African/African-American, 29%; 1,811 homozygotes.

Submissions (5):

Blueprint Genetics
Classification: Likely benign. Last evaluated: 2024-11-27. Review status: criteria provided, single submitter. Criteria: ACMG Guidelines, 2015. Collection method: clinical testing. Allele origin: germline.

ARUP Laboratories, Molecular Genetics and Genomics, ARUP Laboratories
Classification: Benign for X-linked sideroblastic anemia with ataxia. Last evaluated: 2023-11-28. Review status: criteria provided, single submitter. Criteria: ARUP Molecular Germline Variant Investigation Process 2024. Collection method: clinical testing. Allele origin: germline.

Mayo Clinic Laboratories, Mayo Clinic
Classification: Benign. Last evaluated: 2022-12-18. Review status: criteria provided, single submitter. Criteria: ACMG Guidelines, 2015. Collection method: clinical testing. Allele origin: germline. Observed: 30 variant alleles.

GeneDx
Classification: Benign. Last evaluated: 2012-04-03. Review status: criteria provided, single submitter. Criteria: GeneDx Variant Classification (06012015). Collection method: clinical testing. Allele origin: germline. Affected: yes.
Comment: This variant is considered likely benign or benign based on one or more of the following criteria: it is a conservative change, it occurs at a poorly conserved position in the protein, it is predicted to be benign by multiple in silico algorithms, and/or has population frequency not consistent with disease.

Breakthrough Genomics
Classification: Benign. Review status: criteria provided, single submitter. Criteria: ACMG Guidelines, 2015. Collection method: not provided. Allele origin: germline. Inheritance: X-linked inheritance. Affected: yes.